The following is an entry in ClinVar:

NM_013254.4(TBK1):c.745G>A (p.Val249Ile)

Gene: TBK1 (TANK binding kinase 1; plus strand). Cytogenetic location: 12q14.2.
Variant type: single nucleotide variant.
Coding change: c.745G>A on transcript NM_013254.4 (MANE Select); coding-DNA position 745, G replaced by A.
Protein change: p.Val249Ile; replaces valine 249 with isoleucine.
Molecular consequence: missense variant.
Genome position (GRCh38, 1-based): chr12:64,480,055, G>A. VCF-style: chr12-64480055-G-A. GRCh37 (hg19) VCF-style: chr12-64873835-G-A.
Other names: short protein forms V249I.
Identifiers: ClinVar variation 3347921 (VCV003347921.3).

ClinVar aggregate classification (germline): Uncertain significance. Review status: criteria provided, single submitter (1 of 4 stars). 2 submissions from 2 submitters: Uncertain significance (1). 1 of the submissions does not count toward it. Last evaluated 2024-07-30.

Conditions:
TBK1-related disorder. Also called: TBK1-related condition.
Frontotemporal dementia and/or amyotrophic lateral sclerosis 4. Also called: FTDALS4. Identifiers: Orphanet 275872, MedGen C4225325, MONDO:0014641, OMIM 616439.

gnomAD v4.1: 16 of 1,612,768 alleles (0.00099%); highest among the groups gnomAD compares: African/African-American, 0.0013%; no homozygotes.

Submissions (2):

Labcorp Genetics (formerly Invitae), Labcorp
Classification: Uncertain significance for Frontotemporal dementia and/or amyotrophic lateral sclerosis 4. Last evaluated: 2024-07-30. Review status: criteria provided, single submitter. Criteria: Invitae Variant Classification Sherloc (09022015). Collection method: clinical testing. Allele origin: germline.
Comment: This sequence change replaces valine, which is neutral and non-polar, with isoleucine, which is neutral and non-polar, at codon 249 of the TBK1 protein (p.Val249Ile). This variant is present in population databases (no rsID available, gnomAD 0.01%). This variant has not been reported in the literature in individuals affected with TBK1-related conditions. Advanced modeling of protein sequence and biophysical properties (such as structural, functional, and spatial information, amino acid conservation, physicochemical variation, residue mobility, and thermodynamic stability) performed at Invitae indicates that this missense variant is not expected to disrupt TBK1 protein function with a negative predictive value of 95%. In summary, the available evidence is currently insufficient to determine the role of this variant in disease. Therefore, it has been classified as a Variant of Uncertain Significance.

PreventionGenetics, part of Exact Sciences
Classification: Uncertain significance for TBK1-related condition. Last evaluated: 2024-06-26. Review status: no assertion criteria provided. Collection method: clinical testing. Allele origin: germline. Not counted in ClinVar's aggregate classification.
Comment: The TBK1 c.745G>A variant is predicted to result in the amino acid substitution p.Val249Ile. To our knowledge, this variant has not been reported in the literature. This variant is reported in 0.011% of alleles in individuals of African descent in gnomAD. At this time, the clinical significance of this variant is uncertain due to the absence of conclusive functional and genetic evidence.